The following is an entry in ClinVar:

NM_001348323.3(TRIP12):c.1599+2T>C

Gene: TRIP12 (thyroid hormone receptor interactor 12; minus strand). Cytogenetic location: 2q36.3.
Variant type: single nucleotide variant.
Coding change: c.1599+2T>C on transcript NM_001348323.3 (MANE Select); the canonical splice donor site of the intron after coding-DNA position 1599, T replaced by C.
Molecular consequence: splice donor variant.
Genome position (GRCh38, 1-based): chr2:229,818,362, A>G on the plus strand (T>C on the coding strand, the complement: TRIP12 is on the minus strand). VCF-style: chr2-229818362-A-G. GRCh37 (hg19) VCF-style: chr2-230683078-A-G.
Other names: c.564+2T>C (NM_001284216.2); c.1455+2T>C (NM_004238.3); c.1473+2T>C (NM_001348331.1, NM_001348317.1, NM_001284215.2 and 2 more transcripts); c.1512+2T>C (NM_001348332.1); c.1599+2T>C (NM_001284214.2, NM_001348319.1, NM_001348333.1 and 11 more transcripts).
Identifiers: ClinVar variation 489099 (VCV000489099.2), dbSNP rs1553639854, ClinGen allele CA350923289.

ClinVar aggregate classification (germline): Pathogenic (1 of 4 stars; one submission).

Submission:

GeneDx
Classification: Pathogenic. Last evaluated: 2017-11-07. Review status: criteria provided, single submitter. Criteria: GeneDx Variant Classification (06012015). Collection method: clinical testing. Allele origin: germline. Affected: yes.
Comment: The c.1455+2T>C variant in the TRIP12 gene has not been reported previously as a pathogenic variant nor as a benign variant, to our knowledge. This splice site variant destroys the canonical splice donor site in intron 8. It is predicted to cause abnormal gene splicing, either leading to an abnormal message that is subject to nonsense-mediated mRNA decay, or to an abnormal protein product if the message is used for protein translation. The c.1455+2T>C variant is not observed in large population cohorts (Lek et al., 2016). We interpret c.1455+2T>C as a pathogenic variant.